The following is an entry in ClinVar:

NM_031885.5(BBS2):c.471+1G>A

Gene: BBS2 (Bardet-Biedl syndrome 2; minus strand). Cytogenetic location: 16q13.
Variant type: single nucleotide variant.
Coding change: c.471+1G>A on transcript NM_031885.5 (MANE Select); the canonical splice donor site of the intron after coding-DNA position 471, G replaced by A.
Molecular consequence: splice donor variant.
Genome position (GRCh38, 1-based): chr16:56,511,158, C>T on the plus strand (G>A on the coding strand, the complement: BBS2 is on the minus strand). VCF-style: chr16-56511158-C-T. GRCh37 (hg19) VCF-style: chr16-56545070-C-T.
Other names: c.471+1G>A (NM_001377456.1).
Identifiers: ClinVar variation 552136 (VCV000552136.6), dbSNP rs1555523584, ClinGen allele CA395984291.

ClinVar aggregate classification (germline): Pathogenic. Review status: criteria provided, multiple submitters, no conflicts (2 of 4 stars). 3 submissions from 3 submitters: Pathogenic (2). 1 of the submissions does not count toward it. Last evaluated 2025-07-23.

Conditions:
Bardet-Biedl syndrome (BBS). Identifiers: Orphanet 110, MedGen C0752166, MONDO:0015229.
Bardet-Biedl syndrome 2 (BBS2). Identifiers: Orphanet 110, MedGen C2936863, MONDO:0014432, OMIM 615981.

gnomAD v4.1: 1 of 1,613,970 alleles (0.000062%); highest among the groups gnomAD compares: Non-Finnish European, 0.000085%; no homozygotes.

Submissions (3):

Labcorp Genetics (formerly Invitae), Labcorp
Classification: Pathogenic for Bardet-Biedl syndrome. Last evaluated: 2025-07-23. Review status: criteria provided, single submitter. Criteria: Invitae Variant Classification Sherloc (09022015). Collection method: clinical testing. Allele origin: germline.
Comment: This sequence change affects a donor splice site in intron 3 of the BBS2 gene. It is expected to disrupt RNA splicing. Variants that disrupt the donor or acceptor splice site typically lead to a loss of protein function (PMID: 16199547), and loss-of-function variants in BBS2 are known to be pathogenic (PMID: 11285252, 20177705, 24608809, 26518167). This variant is not present in population databases (gnomAD no frequency). Disruption of this splice site has been observed in individual(s) with clinical features of retinal dystrophy and Bardet-Biedl syndrome (PMID: 27032803). In at least one individual the data is consistent with being in trans (on the opposite chromosome) from a pathogenic variant. ClinVar contains an entry for this variant (Variation ID: 552136). Algorithms developed to predict the effect of sequence changes on RNA splicing suggest that this variant may disrupt the consensus splice site. For these reasons, this variant has been classified as Pathogenic.

Baylor Genetics
Classification: Pathogenic for Bardet-Biedl syndrome 2. Last evaluated: 2023-03-28. Review status: criteria provided, single submitter. Criteria: ACMG Guidelines, 2015. Collection method: clinical testing. Allele origin: unknown.

Counsyl
Classification: Likely pathogenic for Bardet-Biedl syndrome 2. Last evaluated: 2017-05-23. Review status: no assertion criteria provided. Collection method: clinical testing. Allele origin: unknown. Not counted in ClinVar's aggregate classification.

Literature cited by the submitters: PubMed 16199547 (cited by Labcorp Genetics (formerly Invitae), Labcorp); PubMed 11285252 (cited by Labcorp Genetics (formerly Invitae), Labcorp); PubMed 20177705 (cited by Labcorp Genetics (formerly Invitae), Labcorp); PubMed 24608809 (cited by Labcorp Genetics (formerly Invitae), Labcorp); PubMed 26518167 (cited by Labcorp Genetics (formerly Invitae), Labcorp); PubMed 27032803 (cited by Labcorp Genetics (formerly Invitae), Labcorp and Counsyl).